The following is an entry in ClinVar:

ClinVar aggregate classification (germline): Uncertain significance (1 of 4 stars; one submission).

Submission:

Ambry Genetics
Classification: Uncertain significance. Last evaluated: 2022-02-01. Review status: criteria provided, single submitter. Criteria: Ambry Variant Classification Scheme 2023. Collection method: clinical testing. Allele origin: germline.
Comment: The p.V349L variant (also known as c.1045G>C), located in coding exon 10 of the BUB1 gene, results from a G to C substitution at nucleotide position 1045. The valine at codon 349 is replaced by leucine, an amino acid with highly similar properties. This amino acid position is conserved. In addition, this alteration is predicted to be tolerated by in silico analysis. Since supporting evidence is limited at this time, the clinical significance of this alteration remains unclear.

NM_004336.5(BUB1):c.1045G>C (p.Val349Leu)

Gene: BUB1 (BUB1 mitotic checkpoint serine/threonine kinase; minus strand). Cytogenetic location: 2q13.
Variant type: single nucleotide variant.
Coding change: c.1045G>C on transcript NM_004336.5 (MANE Select); coding-DNA position 1045, G replaced by C.
Protein change: p.Val349Leu; replaces valine 349 with leucine.
Molecular consequence: missense variant.
Genome position (GRCh38, 1-based): chr2:110,661,754, C>G on the plus strand (G>C on the coding strand, the complement: BUB1 is on the minus strand). VCF-style: chr2-110661754-C-G. GRCh37 (hg19) VCF-style: chr2-111419331-C-G.
Other names: c.985G>C, p.Val329Leu (NM_001278616.2); c.1045G>C, p.Val349Leu (NM_001278617.2); short protein forms V349L, V329L.
Identifiers: ClinVar variation 1775327 (VCV001775327.2), dbSNP rs1450615625, ClinGen allele CA348214530.
Genomic context (GRCh38, chr2:110,661,754, plus strand): 5'-TAGCATTTGCCAAAGGAGGAACAACAGGAGGTGCCTCTCTTGGGTTCTTTTCCATGTTCA[C>G]TGGTGTCTGCTGATAGGTTACTGGAAGACATGGCGCTCTCAGTTCCTGCTGGGAGCCTAC-3'
Protein context (NP_004327.1, residues 339-359): CLPVTYQQTP[Val349Leu]NMEKNPREAP